The following is an entry in ClinVar:

NM_006206.6(PDGFRA):c.1395G>C (p.Leu465Phe)

Gene: PDGFRA (platelet derived growth factor receptor alpha; plus strand). Cytogenetic location: 4q12.
Variant type: single nucleotide variant.
Coding change: c.1395G>C on transcript NM_006206.6 (MANE Select); coding-DNA position 1395, G replaced by C.
Protein change: p.Leu465Phe; replaces leucine 465 with phenylalanine.
Molecular consequence: missense variant.
Genome position (GRCh38, 1-based): chr4:54,273,567, G>C. VCF-style: chr4-54273567-G-C. GRCh37 (hg19) VCF-style: chr4-55139734-G-C.
Other names: c.1395G>C, p.Leu465Phe (NM_001347827.2, NM_001347829.2); c.1470G>C, p.Leu490Phe (NM_001347828.2); c.1434G>C, p.Leu478Phe (NM_001347830.2); short protein forms L465F, L478F, L490F.
Identifiers: ClinVar variation 1052939 (VCV001052939.9), dbSNP rs2110291470, ClinGen allele CA356892479.
Genomic context (GRCh38, chr4:54,273,567, plus strand): 5'-GCCCTATACTTAGGCCCTTTTTCTCTCTAGATGTAATAATGAAACTTCCTGGACTATTTT[G>C]GCCAACAATGTCTCAAACATCATCACGGAGATCCACTCCCGAGACAGGAGTACCGTGGAG-3'
Protein context (NP_006197.1, residues 455-475): KCNNETSWTI[Leu465Phe]ANNVSNIITE

ClinVar aggregate classification (germline): Uncertain significance (1 of 4 stars; one submission).

Conditions:
Gastrointestinal stromal tumor. Also called: Gastrointestinal stromal tumor, somatic; Gastrointestinal stroma tumor. Identifiers: Orphanet 44890, MedGen C0238198, MeSH D046152, MONDO:0011719, OMIM 606764, HP:0100723.

Allele frequency attached by ClinVar (database versions not stated): gnomAD exomes below 0.00001.
gnomAD v4.1: 1 of 1,614,038 alleles (0.000062%); highest among the groups gnomAD compares: Non-Finnish European, 0.000085%; no homozygotes.

Submission:

Labcorp Genetics (formerly Invitae), Labcorp
Classification: Uncertain significance for Gastrointestinal stromal tumor. Last evaluated: 2025-05-09. Review status: criteria provided, single submitter. Criteria: Invitae Variant Classification Sherloc (09022015). Collection method: clinical testing. Allele origin: germline.
Comment: This sequence change replaces leucine, which is neutral and non-polar, with phenylalanine, which is neutral and non-polar, at codon 465 of the PDGFRA protein (p.Leu465Phe). This variant is not present in population databases (gnomAD no frequency). This variant has not been reported in the literature in individuals affected with PDGFRA-related conditions. ClinVar contains an entry for this variant (Variation ID: 1052939). Invitae Evidence Modeling of protein sequence and biophysical properties (such as structural, functional, and spatial information, amino acid conservation, physicochemical variation, residue mobility, and thermodynamic stability) indicates that this missense variant is not expected to disrupt PDGFRA protein function with a negative predictive value of 80%. In summary, the available evidence is currently insufficient to determine the role of this variant in disease. Therefore, it has been classified as a Variant of Uncertain Significance.